The following is an entry in ClinVar:

NM_015057.5(MYCBP2):c.2887A>G (p.Thr963Ala)

Gene: MYCBP2 (MYC binding protein 2; minus strand). Cytogenetic location: 13q22.3.
Variant type: single nucleotide variant.
Coding change: c.2887A>G on transcript NM_015057.5 (MANE Select); coding-DNA position 2887, A replaced by G.
Protein change: p.Thr963Ala; replaces threonine 963 with alanine.
Molecular consequence: missense variant.
Genome position (GRCh38, 1-based): chr13:77,224,503, T>C on the plus strand (A>G on the coding strand, the complement: MYCBP2 is on the minus strand). VCF-style: chr13-77224503-T-C. GRCh37 (hg19) VCF-style: chr13-77798638-T-C.
Other names: short protein forms T963A.
Identifiers: ClinVar variation 3360653 (VCV003360653.1).

ClinVar aggregate classification (germline): Uncertain significance (1 of 4 stars; one submission).

Submission:

GeneDx
Classification: Uncertain significance. Last evaluated: 2023-06-29. Review status: criteria provided, single submitter. Criteria: GeneDx Variant Classification Process June 2021. Collection method: clinical testing. Allele origin: germline. Affected: yes.
Comment: Not observed at significant frequency in large population cohorts (gnomAD); In silico analysis supports that this missense variant has a deleterious effect on protein structure/function; Has not been previously published as pathogenic or benign to our knowledge